The following is an entry in ClinVar:

ClinVar aggregate classification (germline): Conflicting classifications of pathogenicity. Review status: criteria provided, conflicting classifications (1 of 4 stars). 9 submissions from 9 submitters: Uncertain significance (8); Likely benign (1). Last evaluated 2025-10-29.

Conditions:
Dilated cardiomyopathy 1G (CMD1G). Identifiers: Orphanet 154, MedGen C1858763, MONDO:0011400, OMIM 604145.
Autosomal recessive limb-girdle muscular dystrophy type 2J (LGMDR10). Also called: MUSCULAR DYSTROPHY, LIMB-GIRDLE, AUTOSOMAL RECESSIVE 10; Limb-girdle muscular dystrophy, type 2J. Identifiers: Orphanet 140922, MedGen C1837342, MONDO:0012127, OMIM 608807.
Myopathy, myofibrillar, 9, with early respiratory failure (MFM9). Also called: Myopathy, distal, with early respiratory failure, autosomal dominant; EDSTROM MYOPATHY; Hereditary myopathy with early respiratory failure; MYOPATHY, PROXIMAL, WITH EARLY RESPIRATORY MUSCLE INVOLVEMENT. Identifiers: Orphanet 178464, Orphanet 34521, MedGen C1863599, MONDO:0011362, OMIM 603689.
Early-onset myopathy with fatal cardiomyopathy (CMYO5). Also called: CONGENITAL MYOPATHY 5 WITH CARDIOMYOPATHY; Salih Myopathy. Identifiers: Orphanet 289377, MedGen C2673677, MONDO:0012714, OMIM 611705. Disease mechanism: loss of function.
Hypertrophic cardiomyopathy 9. Also called: Familial hypertrophic cardiomyopathy 9. Identifiers: MedGen C1861065, MONDO:0013412, OMIM 613765.
Tibial muscular dystrophy (TMD). Also called: Udd Distal Myopathy – Tibial Muscular Dystrophy; Tibial muscular dystrophy, tardive; UDD MYOPATHY. Identifiers: Orphanet 609, MedGen C1838244, MONDO:0010870, OMIM 600334.
TTN-related disorder. Also called: TTN-related condition; TTN-related disease; TTN-related disorders.

Allele frequency attached by ClinVar (database versions not stated): gnomAD exomes 0.00001 and 0.00008; gnomAD 0.00005; TOPMed 0.00005.
gnomAD v4.1: 117 of 1,612,868 alleles (0.0073%); highest among the groups gnomAD compares: Non-Finnish European, 0.0096%; no homozygotes.

Submissions (9):

Women's Health and Genetics/Laboratory Corporation of America, LabCorp
Classification: Uncertain significance. Last evaluated: 2025-10-29. Review status: criteria provided, single submitter. Criteria: LabCorp Variant Classification Summary - May 2015. Collection method: clinical testing. Allele origin: germline.
Comment: Variant summary: TTN c.52109C>T (p.Ala17370Val) results in a non-conservative amino acid change in the encoded protein sequence. Algorithms developed to predict the effect of missense changes on protein structure and function are either unavailable or do not agree on the potential impact of this missense change. The variant allele was found at a frequency of 1.2e-05 in 247730 control chromosomes. The available data on variant occurrences in the general population are insufficient to allow any conclusion about variant significance. To our knowledge, no occurrence of c.52109C>T in individuals affected with TTN-related conditions and no experimental evidence demonstrating its impact on protein function have been reported. ClinVar contains an entry for this variant (Variation ID: 535399). Based on the evidence outlined above, the variant was classified as uncertain significance.

PreventionGenetics, part of Exact Sciences
Classification: Uncertain significance for TTN-related condition. Last evaluated: 2025-06-27. Review status: criteria provided, single submitter. Criteria: ACMG Guidelines, 2015. Collection method: clinical testing. Allele origin: germline.
Comment: The TTN c.59813C>T variant is predicted to result in the amino acid substitution p.Ala19938Val. To our knowledge, this variant has not been reported in the literature. This variant is reported in 0.0031% of alleles in individuals of European (Non-Finnish) descent in gnomAD. At this time, the clinical significance of this variant is uncertain due to the absence of conclusive functional and genetic evidence.

Blueprint Genetics
Classification: Likely benign. Last evaluated: 2024-06-24. Review status: criteria provided, single submitter. Criteria: ACMG Guidelines, 2015. Collection method: clinical testing. Allele origin: germline.

Mayo Clinic Laboratories, Mayo Clinic
Classification: Uncertain significance. Last evaluated: 2023-04-13. Review status: criteria provided, single submitter. Criteria: ACMG Guidelines, 2015. Collection method: clinical testing. Allele origin: germline. Observed: 1 variant allele.

Revvity Omics, Revvity
Classification: Uncertain significance. Last evaluated: 2022-06-27. Review status: criteria provided, single submitter. Criteria: ACMG Guidelines, 2015. Collection method: clinical testing. Allele origin: germline.

Fulgent Genetics
Classification: Uncertain significance for Tibial muscular dystrophy; Myopathy, myofibrillar, 9, with early respiratory failure; Dilated cardiomyopathy 1G; Autosomal recessive limb-girdle muscular dystrophy type 2J; Early-onset myopathy with fatal cardiomyopathy; Hypertrophic cardiomyopathy 9. Last evaluated: 2021-11-20. Review status: criteria provided, single submitter. Criteria: ACMG Guidelines, 2015. Collection method: clinical testing. Allele origin: unknown.

Athena Diagnostics
Classification: Uncertain significance. Last evaluated: 2020-10-27. Review status: criteria provided, single submitter. Criteria: Athena Diagnostics criteria. Collection method: clinical testing. Allele origin: unknown.

Labcorp Genetics (formerly Invitae), Labcorp
Classification: Uncertain significance for Dilated cardiomyopathy 1G; Autosomal recessive limb-girdle muscular dystrophy type 2J. Last evaluated: 2017-12-19. Review status: criteria provided, single submitter. Criteria: Invitae Variant Classification Sherloc (09022015). Collection method: clinical testing. Allele origin: germline.

Eurofins Ntd Llc (ga)
Classification: Uncertain significance. Last evaluated: 2017-09-06. Review status: criteria provided, single submitter. Criteria: EGL Classification Definitions 2015. Collection method: clinical testing. Allele origin: germline. Observed: 2 variant alleles, 2 heterozygotes.

NM_001267550.2(TTN):c.59813C>T (p.Ala19938Val)

Genes: TTN (titin; minus strand), TTN-AS1 (TTN antisense RNA 1; plus strand), LOC126806424 (CDK7 strongly-dependent group 2 enhancer GRCh37_chr2:179456337-179457536; plus strand). Cytogenetic location: 2q31.2.
Variant type: single nucleotide variant.
Coding change: c.59813C>T on transcript NM_001267550.2 (MANE Select); coding-DNA position 59813, C replaced by T.
Protein change: p.Ala19938Val; replaces alanine 19938 with valine.
Molecular consequence: missense variant.
Genome position (GRCh38, 1-based): chr2:178,592,091, G>A on the plus strand (C>T on the coding strand, the complement: TTN is on the minus strand). VCF-style: chr2-178592091-G-A. GRCh37 (hg19) VCF-style: chr2-179456818-G-A.
Other names: p.Ala18297Val; c.59813C>T (NM_001267550.1); c.54890C>T, p.Ala18297Val (NM_001256850.1); c.32618C>T, p.Ala10873Val (NM_003319.4); c.52109C>T, p.Ala17370Val (NM_133378.4); c.32993C>T, p.Ala10998Val (NM_133432.3); c.33194C>T, p.Ala11065Val (NM_133437.4); short protein forms A19938V, A17370V, A11065V, A10998V, A18297V, A10873V.
Identifiers: ClinVar variation 535399 (VCV000535399.16), dbSNP rs1187337182, ClinGen allele CA349489844.